The following is an entry in ClinVar:

ClinVar aggregate classification (germline): Uncertain significance (1 of 4 stars; one submission).

Submission:

GeneDx
Classification: Uncertain significance. Last evaluated: 2026-03-24. Review status: criteria provided, single submitter. Criteria: GeneDx Variant Classification Process June 2021. Collection method: clinical testing. Allele origin: germline.
Comment: In silico analysis suggests that this missense variant does not alter protein structure/function; Has not been previously published as pathogenic or benign to our knowledge

NM_206965.2(FTCD):c.1195C>T (p.Arg399Cys)

Gene: FTCD (formimidoyltransferase cyclodeaminase; minus strand). Cytogenetic location: 21q22.3.
Variant type: single nucleotide variant.
Coding change: c.1195C>T on transcript NM_206965.2 (MANE Select); coding-DNA position 1195, C replaced by T.
Protein change: p.Arg399Cys; replaces arginine 399 with cysteine.
Molecular consequence: missense variant.
Genome position (GRCh38, 1-based): chr21:46,145,482, G>A on the plus strand (C>T on the coding strand, the complement: FTCD is on the minus strand). VCF-style: chr21-46145482-G-A. GRCh37 (hg19) VCF-style: chr21-47565396-G-A.
Other names: c.1195C>T, p.Arg399Cys (NM_001320412.2, NM_006657.3); short protein forms R399C.
Identifiers: ClinVar variation 5017070 (VCV005017070.1).